The following is an entry in ClinVar:

ClinVar aggregate classification (germline): Uncertain significance (1 of 4 stars; one submission).

Allele frequency attached by ClinVar (database versions not stated): gnomAD exomes 0.00001.
gnomAD v4.1: 16 of 1,614,100 alleles (0.00099%); highest among the groups gnomAD compares: Non-Finnish European, 0.0013%; no homozygotes.

Submission:

GeneDx
Classification: Uncertain significance. Last evaluated: 2022-11-14. Review status: criteria provided, single submitter. Criteria: GeneDx Variant Classification Process June 2021. Collection method: clinical testing. Allele origin: germline. Affected: yes.
Comment: In silico analysis supports that this missense variant does not alter protein structure/function; Has not been previously published as pathogenic or benign to our knowledge

NM_001317778.2(SFTPC):c.356C>G (p.Thr119Ser)

Gene: SFTPC (surfactant protein C; plus strand). Cytogenetic location: 8p21.3.
Variant type: single nucleotide variant.
Coding change: c.356C>G on transcript NM_001317778.2 (MANE Select); coding-DNA position 356, C replaced by G.
Protein change: p.Thr119Ser; replaces threonine 119 with serine.
Molecular consequence: missense variant.
Genome position (GRCh38, 1-based): chr8:22,163,467, C>G. VCF-style: chr8-22163467-C-G. GRCh37 (hg19) VCF-style: chr8-22020980-C-G.
Other names: c.356C>G, p.Thr119Ser (NM_001172357.2, NM_001172410.2, NM_001317780.2 and 8 more transcripts); c.197C>G, p.Thr66Ser (NM_001317779.2, NM_001385660.1); short protein forms T119S, T66S.
Identifiers: ClinVar variation 2502071 (VCV002502071.1), dbSNP rs1466932801, ClinGen allele CA370537678.